The following is an entry in ClinVar:

NM_024675.4(PALB2):c.1755T>C (p.Asp585=)

Gene: PALB2 (partner and localizer of BRCA2; minus strand). Cytogenetic location: 16p12.2.
Variant type: single nucleotide variant.
Coding change: c.1755T>C on transcript NM_024675.4 (MANE Select); coding-DNA position 1755, T replaced by C.
Protein change: p.Asp585=; no amino-acid change (aspartic acid 585 retained).
Molecular consequence: synonymous variant.
Genome position (GRCh38, 1-based): chr16:23,630,399, A>G on the plus strand (T>C on the coding strand, the complement: PALB2 is on the minus strand). VCF-style: chr16-23630399-A-G. GRCh37 (hg19) VCF-style: chr16-23641720-A-G.
Identifiers: ClinVar variation 186568 (VCV000186568.20), dbSNP rs786203049, ClinGen allele CA195196.

ClinVar aggregate classification (germline): Benign/Likely benign. Review status: criteria provided, multiple submitters, no conflicts (2 of 4 stars). 5 submissions from 5 submitters: Benign (1); Likely benign (4). Last evaluated 2025-01-14.

Conditions:
Hereditary cancer-predisposing syndrome. Also called: Neoplastic Syndromes, Hereditary; Tumor predisposition; Hereditary Cancer Syndrome; Hereditary neoplastic syndrome. Identifiers: Orphanet 140162, MedGen C0027672, MeSH D009386, MONDO:0015356.
Familial cancer of breast. Also called: BREAST CANCER, FAMILIAL; Hereditary breast cancer; hereditary breast carcinoma. Identifiers: Orphanet 227535, MedGen C0346153, MONDO:0016419, OMIM 114480. Disease mechanism: loss of function.

Allele frequency attached by ClinVar (database versions not stated): gnomAD exomes below 0.00001.
gnomAD v4.1: 6 of 1,614,158 alleles (0.00037%); highest among the groups gnomAD compares: Non-Finnish European, 0.00051%; no homozygotes.

Submissions (5):

Myriad Genetics, Inc.
Classification: Benign for Familial cancer of breast. Last evaluated: 2025-01-14. Review status: criteria provided, single submitter. Criteria: Myriad Autosomal Dominant, Autosomal Recessive and X-Linked Classification Criteria (2023). Collection method: clinical testing. Allele origin: unknown.
Comment: This variant is considered benign. This variant is a silent/synonymous amino acid change and it is not expected to impact splicing.

Labcorp Genetics (formerly Invitae), Labcorp
Classification: Likely benign for Familial cancer of breast. Last evaluated: 2024-07-30. Review status: criteria provided, single submitter. Criteria: Invitae Variant Classification Sherloc (09022015). Collection method: clinical testing. Allele origin: germline.

Color Diagnostics, LLC DBA Color Health
Classification: Likely benign for Hereditary cancer-predisposing syndrome. Last evaluated: 2018-08-28. Review status: criteria provided, single submitter. Criteria: ACMG Guidelines, 2015. Collection method: clinical testing. Allele origin: germline.

GeneDx
Classification: Likely benign. Last evaluated: 2017-03-16. Review status: criteria provided, single submitter. Criteria: GeneDx Variant Classification (06012015). Collection method: clinical testing. Allele origin: germline. Affected: yes.
Comment: This variant is considered likely benign or benign based on one or more of the following criteria: it is a conservative change, it occurs at a poorly conserved position in the protein, it is predicted to be benign by multiple in silico algorithms, and/or has population frequency not consistent with disease.

Ambry Genetics
Classification: Likely benign for Hereditary cancer-predisposing syndrome. Last evaluated: 2014-10-14. Review status: criteria provided, single submitter. Criteria: Ambry Variant Classification Scheme 2023. Collection method: clinical testing. Allele origin: germline.